The following is an entry in ClinVar:

ClinVar aggregate classification (germline): Uncertain significance (1 of 4 stars; one submission).

Conditions:
Dyskeratosis congenita. Identifiers: Orphanet 1775, MedGen C0265965, MONDO:0015780.

Submission:

Labcorp Genetics (formerly Invitae), Labcorp
Classification: Uncertain significance for Dyskeratosis congenita. Last evaluated: 2024-12-02. Review status: criteria provided, single submitter. Criteria: Invitae Variant Classification Sherloc (09022015). Collection method: clinical testing. Allele origin: germline.
Comment: This sequence change replaces proline, which is neutral and non-polar, with serine, which is neutral and polar, at codon 956 of the CTC1 protein (p.Pro956Ser). This variant is not present in population databases (gnomAD no frequency). This variant has not been reported in the literature in individuals affected with CTC1-related conditions. ClinVar contains an entry for this variant (Variation ID: 935134). Invitae Evidence Modeling of protein sequence and biophysical properties (such as structural, functional, and spatial information, amino acid conservation, physicochemical variation, residue mobility, and thermodynamic stability) indicates that this missense variant is not expected to disrupt CTC1 protein function with a negative predictive value of 80%. In summary, the available evidence is currently insufficient to determine the role of this variant in disease. Therefore, it has been classified as a Variant of Uncertain Significance.

NM_025099.6(CTC1):c.2866C>T (p.Pro956Ser)

Gene: CTC1 (CST telomere replication complex component 1; minus strand). Cytogenetic location: 17p13.1.
Variant type: single nucleotide variant.
Coding change: c.2866C>T on transcript NM_025099.6 (MANE Select); coding-DNA position 2866, C replaced by T.
Protein change: p.Pro956Ser; replaces proline 956 with serine.
Molecular consequence: missense variant. On other transcripts: non-coding transcript variant (1).
Genome position (GRCh38, 1-based): chr17:8,230,361, G>A on the plus strand (C>T on the coding strand, the complement: CTC1 is on the minus strand). VCF-style: chr17-8230361-G-A. GRCh37 (hg19) VCF-style: chr17-8133679-G-A.
Other names: short protein forms P956S.
Identifiers: ClinVar variation 935134 (VCV000935134.8), dbSNP rs1987108095, ClinGen allele CA397974038.